The following is an entry in ClinVar:

NM_005219.5(DIAPH1):c.3149-3_3149-2insC

Gene: DIAPH1 (diaphanous related formin 1; minus strand). Cytogenetic location: 5q31.3.
Variant type: Insertion.
Coding change: c.3149-3_3149-2insC on transcript NM_005219.5 (MANE Select); 3 bases into the intron before coding-DNA position 3149 through the canonical splice acceptor site of the intron before coding-DNA position 3149, C inserted.
Molecular consequence: intron variant.
Genome position: GRCh38 VCF-style: chr5-141527699-T-TG. GRCh37 (hg19) VCF-style: chr5-140907266-T-TG.
Other names: c.3122-3_3122-2insC (NM_001079812.3); c.3149-3_3149-2insC (NM_001314007.2).
Identifiers: ClinVar variation 3764038 (VCV003764038.2).

ClinVar aggregate classification (germline): Uncertain significance (1 of 4 stars; one submission).

Conditions:
Autosomal dominant nonsyndromic hearing loss 1. Also called: KONIGSMARK SYNDROME; DEAFNESS, AUTOSOMAL DOMINANT 1, WITH OR WITHOUT THROMBOCYTOPENIA. Identifiers: Orphanet 90635, MedGen C1852282, MONDO:0007424, OMIM 124900.
Progressive microcephaly-seizures-cortical blindness-developmental delay syndrome. Also called: Seizures, cortical blindness, and microcephaly syndrome. Identifiers: Orphanet 477814, MedGen C5567650, MONDO:0014714, OMIM 616632.

Submission:

Labcorp Genetics (formerly Invitae), Labcorp
Classification: Uncertain significance for Progressive microcephaly-seizures-cortical blindness-developmental delay syndrome; Autosomal dominant nonsyndromic hearing loss 1. Last evaluated: 2024-02-16. Review status: criteria provided, single submitter. Criteria: Invitae Variant Classification Sherloc (09022015). Collection method: clinical testing. Allele origin: germline.
Comment: This sequence change falls in intron 23 of the DIAPH1 gene. It does not directly change the encoded amino acid sequence of the DIAPH1 protein. It affects a nucleotide within the consensus splice site. This variant is not present in population databases (gnomAD no frequency). This variant has not been reported in the literature in individuals affected with DIAPH1-related conditions. Variants that disrupt the consensus splice site are a relatively common cause of aberrant splicing (PMID: 17576681, 9536098). Algorithms developed to predict the effect of sequence changes on RNA splicing suggest that this variant is not likely to affect RNA splicing. In summary, the available evidence is currently insufficient to determine the role of this variant in disease. Therefore, it has been classified as a Variant of Uncertain Significance.

Literature cited by the submitters: PubMed 17576681; PubMed 9536098.